The following is an entry in ClinVar:

NM_000179.3(MSH6):c.197C>T (p.Pro66Leu)

Gene: MSH6 (mutS homolog 6; plus strand). Cytogenetic location: 2p16.3.
Variant type: single nucleotide variant.
Coding change: c.197C>T on transcript NM_000179.3 (MANE Select); coding-DNA position 197, C replaced by T.
Protein change: p.Pro66Leu; replaces proline 66 with leucine.
Molecular consequence: missense variant. On other transcripts: 5 prime UTR variant (1).
Genome position (GRCh38, 1-based): chr2:47,783,430, C>T. VCF-style: chr2-47783430-C-T. GRCh37 (hg19) VCF-style: chr2-48010569-C-T.
Other names: c.197C>T, p.Pro66Leu (NM_001281492.2); c.-540C>T (NM_001281493.2); short protein forms P66L.
Identifiers: ClinVar variation 410493 (VCV000410493.25), dbSNP rs730881812, ClinGen allele CA16611077.

ClinVar aggregate classification (germline): Conflicting classifications of pathogenicity. Review status: criteria provided, conflicting classifications (1 of 4 stars). 5 submissions from 5 submitters: Uncertain significance (3); Benign (1); Likely benign (1). Last evaluated 2025-11-27.

Conditions:
Lynch syndrome. Identifiers: Orphanet 144, MedGen C4552100, MONDO:0005835. Disease mechanism: loss of function.
Hereditary cancer-predisposing syndrome. Also called: Tumor predisposition; Hereditary Cancer Syndrome; Hereditary neoplastic syndrome; Neoplastic Syndromes, Hereditary. Identifiers: Orphanet 140162, MedGen C0027672, MeSH D009386, MONDO:0015356.
Hereditary nonpolyposis colorectal neoplasms. Identifiers: MedGen C0009405, MeSH D003123.

Allele frequency attached by ClinVar (database versions not stated): gnomAD exomes below 0.00001; gnomAD 0.00006.
gnomAD v4.1: 5 of 1,500,870 alleles (0.00033%); highest among the groups gnomAD compares: African/African-American, 0.0014%; no homozygotes.

Submissions (5):

Labcorp Genetics (formerly Invitae), Labcorp
Classification: Benign for Hereditary nonpolyposis colorectal neoplasms. Last evaluated: 2025-11-27. Review status: criteria provided, single submitter. Criteria: Invitae Variant Classification Sherloc (09022015). Collection method: clinical testing. Allele origin: germline.

Ambry Genetics
Classification: Likely benign for Hereditary cancer-predisposing syndrome. Last evaluated: 2024-05-01. Review status: criteria provided, single submitter. Criteria: Ambry Variant Classification Scheme 2023. Collection method: clinical testing. Allele origin: germline.

All of Us Research Program, National Institutes of Health
Classification: Uncertain significance for Lynch syndrome. Last evaluated: 2024-04-10. Review status: criteria provided, single submitter. Criteria: ACMG Guidelines, 2015. Collection method: clinical testing. Allele origin: germline. Inheritance: Autosomal dominant inheritance. Observed: 3 variant alleles, 3 heterozygotes.
Comment: This missense variant replaces proline with leucine at codon 66 of the MSH6 protein. Computational prediction suggests that this variant may not impact protein structure and function (internally defined REVEL score threshold <= 0.5, PMID: 27666373). To our knowledge, functional studies have not been reported for this variant. This variant has not been reported in individuals affected with hereditary cancer in the literature. This variant has been identified in 2/135582 chromosomes in the general population by the Genome Aggregation Database (gnomAD). The available evidence is insufficient to determine the role of this variant in disease conclusively. Therefore, this variant is classified as a Variant of Uncertain Significance.

This study involves interpretation of variants in research participants for the purpose of population health screening. Participant phenotype was not available at the time of variant classification. Additional details can be found in publication PMID: 35346344, PMCID: PMC8962531

Color Diagnostics, LLC DBA Color Health
Classification: Uncertain significance for Hereditary cancer-predisposing syndrome. Last evaluated: 2024-03-06. Review status: criteria provided, single submitter. Criteria: ACMG Guidelines, 2015. Collection method: clinical testing. Allele origin: germline.
Comment: This missense variant replaces proline with leucine at codon 66 of the MSH6 protein. Computational prediction suggests that this variant may not impact protein structure and function (internally defined REVEL score threshold <= 0.5, PMID: 27666373). To our knowledge, functional studies have not been reported for this variant. This variant has not been reported in individuals affected with hereditary cancer in the literature. This variant has been identified in 2/135582 chromosomes in the general population by the Genome Aggregation Database (gnomAD). The available evidence is insufficient to determine the role of this variant in disease conclusively. Therefore, this variant is classified as a Variant of Uncertain Significance.

GeneDx
Classification: Uncertain significance. Last evaluated: 2022-12-01. Review status: criteria provided, single submitter. Criteria: GeneDx Variant Classification Process June 2021. Collection method: clinical testing. Allele origin: germline. Affected: yes.
Comment: In silico analysis, which includes protein predictors and evolutionary conservation, supports that this variant does not alter protein structure/function; Has not been previously published as pathogenic or benign to our knowledge